The following is an entry in ClinVar:

ClinVar aggregate classification (germline): Uncertain significance (1 of 4 stars; one submission).

Submission:

Labcorp Genetics (formerly Invitae), Labcorp
Classification: Uncertain significance. Last evaluated: 2025-05-15. Review status: criteria provided, single submitter. Criteria: Invitae Variant Classification Sherloc (09022015). Collection method: clinical testing. Allele origin: germline.
Comment: This sequence change replaces serine, which is neutral and polar, with glycine, which is neutral and non-polar, at codon 179 of the RETREG1 protein (p.Ser179Gly). This variant is not present in population databases (gnomAD no frequency). This variant has not been reported in the literature in individuals affected with RETREG1-related conditions. Invitae Evidence Modeling of protein sequence and biophysical properties (such as structural, functional, and spatial information, amino acid conservation, physicochemical variation, residue mobility, and thermodynamic stability) indicates that this missense variant is not expected to disrupt RETREG1 protein function with a negative predictive value of 80%. In summary, the available evidence is currently insufficient to determine the role of this variant in disease. Therefore, it has been classified as a Variant of Uncertain Significance.

NM_001034850.3(RETREG1):c.535A>G (p.Ser179Gly)

Gene: RETREG1 (reticulophagy regulator 1; minus strand). Cytogenetic location: 5p15.1.
Variant type: single nucleotide variant.
Coding change: c.535A>G on transcript NM_001034850.3 (MANE Select); coding-DNA position 535, A replaced by G.
Protein change: p.Ser179Gly; replaces serine 179 with glycine.
Molecular consequence: missense variant.
Genome position (GRCh38, 1-based): chr5:16,483,396, T>C on the plus strand (A>G on the coding strand, the complement: RETREG1 is on the minus strand). VCF-style: chr5-16483396-T-C. GRCh37 (hg19) VCF-style: chr5-16483505-T-C.
Other names: c.112A>G, p.Ser38Gly (NM_019000.5); short protein forms S179G, S38G.
Identifiers: ClinVar variation 4738730 (VCV004738730.1).